The following is an entry in ClinVar:

ClinVar aggregate classification (germline): Uncertain significance (1 of 4 stars; one submission).

gnomAD v4.1: 6 of 1,614,040 alleles (0.00037%); highest among the groups gnomAD compares: Admixed American, 0.0083%; no homozygotes.

Submission:

Labcorp Genetics (formerly Invitae), Labcorp
Classification: Uncertain significance. Last evaluated: 2024-04-07. Review status: criteria provided, single submitter. Criteria: Invitae Variant Classification Sherloc (09022015). Collection method: clinical testing. Allele origin: germline.
Comment: This sequence change replaces histidine, which is basic and polar, with glutamine, which is neutral and polar, at codon 108 of the IL23R protein (p.His108Gln). This variant is not present in population databases (gnomAD no frequency). This variant has not been reported in the literature in individuals affected with IL23R-related conditions. Algorithms developed to predict the effect of missense changes on protein structure and function output the following: SIFT: "Not Available"; PolyPhen-2: "Possibly Damaging"; Align-GVGD: "Not Available". The glutamine amino acid residue is found in multiple mammalian species, which suggests that this missense change does not adversely affect protein function. In summary, the available evidence is currently insufficient to determine the role of this variant in disease. Therefore, it has been classified as a Variant of Uncertain Significance.

NM_144701.3(IL23R):c.324T>G (p.His108Gln)

Gene: IL23R (interleukin 23 receptor; plus strand). Cytogenetic location: 1p31.3.
Variant type: single nucleotide variant.
Coding change: c.324T>G on transcript NM_144701.3 (MANE Select); coding-DNA position 324, T replaced by G.
Protein change: p.His108Gln; replaces histidine 108 with glutamine.
Molecular consequence: missense variant.
Genome position (GRCh38, 1-based): chr1:67,169,595, T>G. VCF-style: chr1-67169595-T-G. GRCh37 (hg19) VCF-style: chr1-67635278-T-G.
Other names: short protein forms H108Q.
Identifiers: ClinVar variation 3703521 (VCV003703521.2).
Genomic context (GRCh38, chr1:67,169,595, plus strand): 5'-GTATAAAAACTTTCTGGAACCACATGCTTCTATGTACTGCACTGCTGAATGTCCCAAACA[T>G]TTTCAAGAGACACTGATATGTGGAAAAGACATTTCTTCTGGATGTAAGTGTTGGGGCACA-3'
Protein context (NP_653302.2, residues 98-118): SMYCTAECPK[His108Gln]FQETLICGKD